The following is an entry in ClinVar:

NM_152384.3(BBS5):c.531A>G (p.Leu177=)

Gene: BBS5 (Bardet-Biedl syndrome 5; plus strand). Cytogenetic location: 2q31.1.
Variant type: single nucleotide variant.
Coding change: c.531A>G on transcript NM_152384.3 (MANE Select); coding-DNA position 531, A replaced by G.
Protein change: p.Leu177=; no amino-acid change (leucine 177 retained).
Molecular consequence: synonymous variant.
Genome position (GRCh38, 1-based): chr2:169,493,749, A>G. VCF-style: chr2-169493749-A-G. GRCh37 (hg19) VCF-style: chr2-170350259-A-G.
Other names: c.531A>G (NM_152384.2).
Identifiers: ClinVar variation 1665933 (VCV001665933.11), dbSNP rs2105298185, ClinGen allele CA429923159.

ClinVar aggregate classification (germline): Likely benign. Review status: criteria provided, multiple submitters, no conflicts (2 of 4 stars). 3 submissions from 3 submitters: Likely benign (2). 1 of the submissions does not count toward it. Last evaluated 2022-10-17.

Conditions:
BBS5-related disorder. Also called: BBS5-related condition.
Bardet-Biedl syndrome (BBS). Identifiers: Orphanet 110, MedGen C0752166, MONDO:0015229.

Submissions (3):

Labcorp Genetics (formerly Invitae), Labcorp
Classification: Likely benign for Bardet-Biedl syndrome. Last evaluated: 2022-10-17. Review status: criteria provided, single submitter. Criteria: Invitae Variant Classification Sherloc (09022015). Collection method: clinical testing. Allele origin: germline.

Blueprint Genetics
Classification: Likely benign. Last evaluated: 2020-11-11. Review status: criteria provided, single submitter. Criteria: ACMG Guidelines, 2015. Collection method: clinical testing. Allele origin: germline.

PreventionGenetics, part of Exact Sciences
Classification: Likely benign for BBS5-related condition. Last evaluated: 2023-03-21. Review status: no assertion criteria provided. Collection method: clinical testing. Allele origin: germline. Not counted in ClinVar's aggregate classification.
Comment: This variant is classified as likely benign based on ACMG/AMP sequence variant interpretation guidelines (Richards et al. 2015 PMID: 25741868, with internal and published modifications).